The following is an entry in ClinVar:

NM_000180.4(GUCY2D):c.1566+1G>A

Gene: GUCY2D (guanylate cyclase 2D, retinal; plus strand). Cytogenetic location: 17p13.1.
Variant type: single nucleotide variant.
Coding change: c.1566+1G>A on transcript NM_000180.4 (MANE Select); the canonical splice donor site of the intron after coding-DNA position 1566, G replaced by A.
Molecular consequence: splice donor variant.
Genome position (GRCh38, 1-based): chr17:8,007,529, G>A. VCF-style: chr17-8007529-G-A. GRCh37 (hg19) VCF-style: chr17-7910847-G-A.
Identifiers: ClinVar variation 521652 (VCV000521652.8), dbSNP rs1348467293, ClinGen allele CA397949463.

ClinVar aggregate classification (germline): Pathogenic/Likely pathogenic. Review status: criteria provided, multiple submitters, no conflicts (2 of 4 stars). 4 submissions from 4 submitters: Pathogenic (2); Likely pathogenic (2). Last evaluated 2024-08-20.

Conditions:
Cone-rod dystrophy 6 (CORD6). Also called: RETINAL CONE DYSTROPHY 2; Cone dystrophy progressive. Identifiers: Orphanet 1872, MedGen C1866293, MONDO:0011143, OMIM 601777.
Leber congenital amaurosis 1 (LCA1). Also called: Congenital absence of the rods and cones; Leber's congenital tapetoretinal degeneration; Leber's congenital tapetoretinal dysplasia; RETINAL BLINDNESS, CONGENITAL; AMAUROSIS CONGENITA OF LEBER I. Identifiers: Orphanet 65, MedGen C2931258, MONDO:0008764, OMIM 204000.
Inborn genetic diseases. Identifiers: MedGen C0950123, MeSH D030342.
GUCY2D-related disorders.

Allele frequency attached by ClinVar (database versions not stated): gnomAD exomes below 0.00001; TOPMed below 0.00001; gnomAD 0.00001.
gnomAD v4.1: 3 of 1,574,882 alleles (0.00019%); highest among the groups gnomAD compares: Non-Finnish European, 0.00026%; no homozygotes.

Submissions (4):

Blueprint Genetics
Classification: Likely pathogenic for GUCY2D-related disorders. Last evaluated: 2024-08-20. Review status: criteria provided, single submitter. Criteria: ACMG Guidelines, 2015. Collection method: clinical testing. Allele origin: germline. Affected: yes. Observed: 2 variant alleles.

Labcorp Genetics (formerly Invitae), Labcorp
Classification: Pathogenic for Leber congenital amaurosis 1; Cone-rod dystrophy 6. Last evaluated: 2022-10-07. Review status: criteria provided, single submitter. Criteria: Invitae Variant Classification Sherloc (09022015). Collection method: clinical testing. Allele origin: germline.
Comment: For these reasons, this variant has been classified as Pathogenic. Algorithms developed to predict the effect of sequence changes on RNA splicing suggest that this variant may disrupt the consensus splice site. ClinVar contains an entry for this variant (Variation ID: 521652). Disruption of this splice site has been observed in individual(s) with Leber congenital amaurosis (Invitae; Inviate). In at least one individual the data is consistent with being in trans (on the opposite chromosome) from a pathogenic variant. This variant is present in population databases (no rsID available, gnomAD 0.0009%). This sequence change affects a donor splice site in intron 6 of the GUCY2D gene. It is expected to disrupt RNA splicing. Variants that disrupt the donor or acceptor splice site typically lead to a loss of protein function (PMID: 16199547), and loss-of-function variants in GUCY2D are known to be pathogenic (PMID: 10951519, 11328726).

GeneDx
Classification: Likely pathogenic. Last evaluated: 2022-09-22. Review status: criteria provided, single submitter. Criteria: GeneDx Variant Classification Process June 2021. Collection method: clinical testing. Allele origin: germline. Affected: yes.
Comment: Canonical splice site variant predicted to result in a null allele in a gene for which loss of function is a known mechanism of disease; Not observed at significant frequency in large population cohorts (gnomAD); Has not been previously published as pathogenic or benign to our knowledge

Ambry Genetics
Classification: Pathogenic for Inborn genetic diseases. Last evaluated: 2017-10-24. Review status: criteria provided, single submitter. Criteria: Ambry exome assertion method (8-5-2015). Collection method: clinical testing. Allele origin: germline. Affected: yes. Observed: 1 variant allele.

Literature cited by the submitters: PubMed 16199547 (cited by Labcorp Genetics (formerly Invitae), Labcorp); PubMed 10951519 (cited by Labcorp Genetics (formerly Invitae), Labcorp); PubMed 11328726 (cited by Labcorp Genetics (formerly Invitae), Labcorp); PubMed 15024725 (cited by Ambry Genetics).